The following is an entry in ClinVar:

ClinVar aggregate classification (germline): Uncertain significance (1 of 4 stars; one submission).

Allele frequency attached by ClinVar (database versions not stated): gnomAD exomes below 0.00001.
gnomAD v4.1: 4 of 1,613,544 alleles (0.00025%); highest among the groups gnomAD compares: Non-Finnish European, 0.00034%; no homozygotes.

Submission:

Labcorp Genetics (formerly Invitae), Labcorp
Classification: Uncertain significance. Last evaluated: 2023-05-22. Review status: criteria provided, single submitter. Criteria: Invitae Variant Classification Sherloc (09022015). Collection method: clinical testing. Allele origin: germline.
Comment: In summary, the available evidence is currently insufficient to determine the role of this variant in disease. Therefore, it has been classified as a Variant of Uncertain Significance. Advanced modeling of protein sequence and biophysical properties (such as structural, functional, and spatial information, amino acid conservation, physicochemical variation, residue mobility, and thermodynamic stability) performed at Invitae indicates that this missense variant is not expected to disrupt STAG1 protein function. ClinVar contains an entry for this variant (Variation ID: 2115363). This variant has not been reported in the literature in individuals affected with STAG1-related conditions. This variant is present in population databases (no rsID available, gnomAD 0.002%). This sequence change replaces proline, which is neutral and non-polar, with leucine, which is neutral and non-polar, at codon 1160 of the STAG1 protein (p.Pro1160Leu).

NM_005862.3(STAG1):c.3479C>T (p.Pro1160Leu)

Gene: STAG1 (STAG1 cohesin complex component; minus strand). Cytogenetic location: 3q22.3.
Variant type: single nucleotide variant.
Coding change: c.3479C>T on transcript NM_005862.3 (MANE Select); coding-DNA position 3479, C replaced by T.
Protein change: p.Pro1160Leu; replaces proline 1160 with leucine.
Molecular consequence: missense variant.
Genome position (GRCh38, 1-based): chr3:136,341,519, G>A on the plus strand (C>T on the coding strand, the complement: STAG1 is on the minus strand). VCF-style: chr3-136341519-G-A. GRCh37 (hg19) VCF-style: chr3-136060361-G-A.
Other names: short protein forms P1160L.
Identifiers: ClinVar variation 2115363 (VCV002115363.4), dbSNP rs1300433502, ClinGen allele CA354652347.